The following is an entry in ClinVar:

NM_173728.4(ARHGEF15):c.974C>T (p.Ala325Val)

Gene: ARHGEF15 (Rho guanine nucleotide exchange factor 15; plus strand). Cytogenetic location: 17p13.1.
Variant type: single nucleotide variant.
Coding change: c.974C>T on transcript NM_173728.4 (MANE Select); coding-DNA position 974, C replaced by T.
Protein change: p.Ala325Val; replaces alanine 325 with valine.
Molecular consequence: missense variant.
Genome position (GRCh38, 1-based): chr17:8,313,540, C>T. VCF-style: chr17-8313540-C-T. GRCh37 (hg19) VCF-style: chr17-8216858-C-T.
Other names: c.974C>T, p.Ala325Val (NM_025014.2); short protein forms A325V.
Identifiers: ClinVar variation 1482305 (VCV001482305.9), dbSNP rs748744226, ClinGen allele CA8375051.
Genomic context (GRCh38, chr17:8,313,540, plus strand): 5'-CACTCTGGCTTCTCTCTCCAGGGGACAGTCCTGATGAAGCTCCTCAGAATACTCCTCCAG[C>T]AACTGTGGAGGGGAGGTACTGAACACCCCCACCCCTACTCCCTGGTTCTCTCCCCACCAT-3'
Protein context (NP_776089.2, residues 315-335): PDEAPQNTPP[Ala325Val]TVEGREEEGL

ClinVar aggregate classification (germline): Uncertain significance (1 of 4 stars; one submission).

Conditions:
Early-infantile DEE. Also called: Ohtahara syndrome; Early infantile epileptic encephalopathy; Early infantile epileptic encephalopathy with suppression bursts. Identifiers: Orphanet 1934, MedGen C0393706, MONDO:0800491.

Allele frequency attached by ClinVar (database versions not stated): gnomAD exomes below 0.00001; ExAC 0.00001.

Submission:

Labcorp Genetics (formerly Invitae), Labcorp
Classification: Uncertain significance for Early-infantile DEE. Last evaluated: 2020-11-06. Review status: criteria provided, single submitter. Criteria: Invitae Variant Classification Sherloc (09022015). Collection method: clinical testing. Allele origin: germline.
Comment: In summary, the available evidence is currently insufficient to determine the role of this variant in disease. Therefore, it has been classified as a Variant of Uncertain Significance. Algorithms developed to predict the effect of sequence changes on RNA splicing suggest that this variant may create or strengthen a splice site, but this prediction has not been confirmed by published transcriptional studies. Algorithms developed to predict the effect of missense changes on protein structure and function output the following: SIFT: "Tolerated"; PolyPhen-2: "Benign"; Align-GVGD: "Class C0". The valine amino acid residue is found in multiple mammalian species, suggesting that this missense change does not adversely affect protein function. These predictions have not been confirmed by published functional studies and their clinical significance is uncertain. This variant has not been reported in the literature in individuals with ARHGEF15-related conditions. This variant is present in population databases (rs748744226, ExAC 0.002%). This sequence change replaces alanine with valine at codon 325 of the ARHGEF15 protein (p.Ala325Val). The alanine residue is moderately conserved and there is a small physicochemical difference between alanine and valine.